The following is an entry in ClinVar:

NM_001003800.2(BICD2):c.526C>T (p.Arg176Cys)

Gene: BICD2 (BICD cargo adaptor 2; minus strand). Cytogenetic location: 9q22.31.
Variant type: single nucleotide variant.
Coding change: c.526C>T on transcript NM_001003800.2 (MANE Select); coding-DNA position 526, C replaced by T.
Protein change: p.Arg176Cys; replaces arginine 176 with cysteine.
Molecular consequence: missense variant.
Genome position (GRCh38, 1-based): chr9:92,722,736, G>A on the plus strand (C>T on the coding strand, the complement: BICD2 is on the minus strand). VCF-style: chr9-92722736-G-A. GRCh37 (hg19) VCF-style: chr9-95485018-G-A.
Other names: c.526C>T, p.Arg176Cys (NM_015250.4); short protein forms R176C.
Identifiers: ClinVar variation 4867455 (VCV004867455.1).

ClinVar aggregate classification (germline): Uncertain significance (1 of 4 stars; one submission).

Conditions:
Inborn genetic diseases. Identifiers: MedGen C0950123, MeSH D030342.

gnomAD v4.1: 10 of 1,614,166 alleles (0.00062%); highest among the groups gnomAD compares: South Asian, 0.0011%; no homozygotes.

Submission:

Ambry Genetics
Classification: Uncertain significance for Inborn genetic diseases. Last evaluated: 2026-03-27. Review status: criteria provided, single submitter. Criteria: Ambry Variant Classification Scheme 2023. Collection method: clinical testing. Allele origin: germline.
Comment: The c.526C>T (p.R176C) alteration is located in exon 3 (coding exon 3) of the BICD2 gene. This alteration results from a C to T substitution at nucleotide position 526, causing the arginine (R) at amino acid position 176 to be replaced by a cysteine (C). Based on data from gnomAD, the T allele has an overall frequency of <0.001% (1/251452) total alleles studied. The highest observed frequency was 0.001% (1/113736) of European (non-Finnish) alleles. Based on insufficient or conflicting evidence, the clinical significance of this alteration remains unclear.